The following is an entry in ClinVar:

NM_001013838.3(CARMIL2):c.449A>G (p.Asp150Gly)

Gene: CARMIL2 (capping protein regulator and myosin 1 linker 2; plus strand). Cytogenetic location: 16q22.1.
Variant type: single nucleotide variant.
Coding change: c.449A>G on transcript NM_001013838.3 (MANE Select); coding-DNA position 449, A replaced by G.
Protein change: p.Asp150Gly; replaces aspartic acid 150 with glycine.
Molecular consequence: missense variant.
Genome position (GRCh38, 1-based): chr16:67,646,500, A>G. VCF-style: chr16-67646500-A-G. GRCh37 (hg19) VCF-style: chr16-67680403-A-G.
Other names: c.449A>G, p.Asp150Gly (NM_001317026.3); short protein forms D150G.
Identifiers: ClinVar variation 1497733 (VCV001497733.5), dbSNP rs536222583, ClinGen allele CA8113065.

ClinVar aggregate classification (germline): Uncertain significance (1 of 4 stars; one submission).

Allele frequency attached by ClinVar (database versions not stated): gnomAD 0.00001; ExAC 0.00003; gnomAD exomes 0.00004; 1000 Genomes Project 30x 0.00016; 1000 Genomes Project 0.00020.
gnomAD v4.1: 32 of 1,612,776 alleles (0.002%); highest among the groups gnomAD compares: South Asian, 0.034%; 1 homozygote.

Submission:

Labcorp Genetics (formerly Invitae), Labcorp
Classification: Uncertain significance. Last evaluated: 2022-01-06. Review status: criteria provided, single submitter. Criteria: Invitae Variant Classification Sherloc (09022015). Collection method: clinical testing. Allele origin: germline.
Comment: This sequence change replaces aspartic acid, which is acidic and polar, with glycine, which is neutral and non-polar, at codon 150 of the CARMIL2 protein (p.Asp150Gly). This variant is present in population databases (rs536222583, gnomAD 0.04%), including at least one homozygous and/or hemizygous individual. This variant has not been reported in the literature in individuals affected with CARMIL2-related conditions. Algorithms developed to predict the effect of missense changes on protein structure and function output the following: SIFT: "Tolerated"; PolyPhen-2: "Benign"; Align-GVGD: "Class C0". The glycine amino acid residue is found in multiple mammalian species, which suggests that this missense change does not adversely affect protein function. In summary, the available evidence is currently insufficient to determine the role of this variant in disease. Therefore, it has been classified as a Variant of Uncertain Significance.